The following is an entry in ClinVar:

NM_003000.3(SDHB):c.58G>C (p.Gly20Arg)

Genes: SDHB (succinate dehydrogenase complex iron sulfur subunit B; minus strand), LOC129929542 (ATAC-STARR-seq lymphoblastoid active region 277; plus strand). Cytogenetic location: 1p36.13.
Variant type: single nucleotide variant.
Coding change: c.58G>C on transcript NM_003000.3 (MANE Select); coding-DNA position 58, G replaced by C.
Protein change: p.Gly20Arg; replaces glycine 20 with arginine.
Molecular consequence: missense variant.
Genome position (GRCh38, 1-based): chr1:17,053,962, C>G on the plus strand (G>C on the coding strand, the complement: SDHB is on the minus strand). VCF-style: chr1-17053962-C-G. GRCh37 (hg19) VCF-style: chr1-17380457-C-G.
Other names: short protein forms G20R.
Identifiers: ClinVar variation 1062299 (VCV001062299.6), dbSNP rs1557749649, ClinGen allele CA338230656.

ClinVar aggregate classification (germline): Uncertain significance. Review status: criteria provided, multiple submitters, no conflicts (2 of 4 stars). 2 submissions from 2 submitters: Uncertain significance (2). Last evaluated 2024-02-02.

Conditions:
Pheochromocytoma. Also called: MAX-Related Hereditary Paraganglioma-Pheochromocytoma Syndrome. Identifiers: Orphanet 29072, MedGen C0031511, MONDO:0008233, OMIM 171300, HP:0002666.
Gastrointestinal stromal tumor. Also called: Gastrointestinal stromal tumor, somatic; Gastrointestinal stroma tumor. Identifiers: Orphanet 44890, MedGen C0238198, MeSH D046152, MONDO:0011719, OMIM 606764, HP:0100723.
Pheochromocytoma/paraganglioma syndrome 4. Also called: CAROTID BODY TUMORS AND MULTIPLE EXTRAADRENAL PHEOCHROMOCYTOMAS; SDHB-Related Hereditary Paraganglioma-Pheochromocytoma Syndrome (Paragangliomas 4); Paragangliomas 4; SDHB-Related Hereditary Paraganglioma-Pheochromocytoma Syndrome; PARAGANGLIOMA, FAMILIAL MALIGNANT; PARAGANGLIOMAS, HEREDITARY EXTRAADRENAL. Identifiers: Orphanet 29072, MedGen C1861848, MONDO:0007273, OMIM 115310.
Hereditary cancer-predisposing syndrome. Also called: Tumor predisposition; Neoplastic Syndromes, Hereditary; Hereditary neoplastic syndrome; Hereditary Cancer Syndrome. Identifiers: Orphanet 140162, MedGen C0027672, MeSH D009386, MONDO:0015356.

Allele frequency attached by ClinVar (database versions not stated): gnomAD 0.00001.
gnomAD v4.1: 1 of 1,612,838 alleles (0.000062%); highest among the groups gnomAD compares: African/African-American, 0.0013%; no homozygotes.

Submissions (2):

Labcorp Genetics (formerly Invitae), Labcorp
Classification: Uncertain significance for Gastrointestinal stromal tumor; Pheochromocytoma/paraganglioma syndrome 4; Pheochromocytoma. Last evaluated: 2024-02-02. Review status: criteria provided, single submitter. Criteria: Invitae Variant Classification Sherloc (09022015). Collection method: clinical testing. Allele origin: germline.
Comment: This sequence change replaces glycine, which is neutral and non-polar, with arginine, which is basic and polar, at codon 20 of the SDHB protein (p.Gly20Arg). This variant is not present in population databases (gnomAD no frequency). This variant has not been reported in the literature in individuals affected with SDHB-related conditions. ClinVar contains an entry for this variant (Variation ID: 1062299). Advanced modeling of protein sequence and biophysical properties (such as structural, functional, and spatial information, amino acid conservation, physicochemical variation, residue mobility, and thermodynamic stability) performed at Invitae indicates that this missense variant is not expected to disrupt SDHB protein function with a negative predictive value of 95%. In summary, the available evidence is currently insufficient to determine the role of this variant in disease. Therefore, it has been classified as a Variant of Uncertain Significance.

Ambry Genetics
Classification: Uncertain significance for Hereditary cancer-predisposing syndrome. Last evaluated: 2020-03-11. Review status: criteria provided, single submitter. Criteria: Ambry Variant Classification Scheme 2023. Collection method: clinical testing. Allele origin: germline.
Comment: The p.G20R variant (also known as c.58G>C), located in coding exon 1 of the SDHB gene, results from a G to C substitution at nucleotide position 58. The glycine at codon 20 is replaced by arginine, an amino acid with dissimilar properties. This amino acid position is not well conserved in available vertebrate species. In addition, the in silico prediction for this alteration is inconclusive. Since supporting evidence is limited at this time, the clinical significance of this alteration remains unclear.